The following is an entry in ClinVar:

ClinVar aggregate classification (germline): Likely benign. Review status: criteria provided, multiple submitters, no conflicts (2 of 4 stars). 3 submissions from 3 submitters: Likely benign (3). Last evaluated 2024-04-09.

Conditions:
Cardiomyopathy (CMYO). Also called: Cardiomyopathies. Identifiers: Orphanet 167848, MedGen C0878544, MONDO:0004994, HP:0001638. Inheritance: Various modes of inheritance.
Amyloidosis, hereditary systemic 1 (AMYLD1). Also called: Hereditary Transthyretin Amyloidosis; Isolated Cardiac Amyloidosis; Amyloid Cardiomyopathy, Transthyretin-related; Familial amyloid polyneuropathy; Transthyretin Amyloidosis; AMYLOID CARDIOMYOPATHY. Identifiers: Orphanet 85447, Orphanet 85451, MedGen C2751492, MONDO:0971004, OMIM 105210.

Submissions (3):

Labcorp Genetics (formerly Invitae), Labcorp
Classification: Likely benign for Amyloidosis, hereditary systemic 1. Last evaluated: 2024-04-09. Review status: criteria provided, single submitter. Criteria: Invitae Variant Classification Sherloc (09022015). Collection method: clinical testing. Allele origin: germline.

CHEO Genetics Diagnostic Laboratory, Children's Hospital of Eastern Ontario
Classification: Likely benign for Cardiomyopathy. Last evaluated: 2019-02-28. Review status: criteria provided, single submitter. Criteria: ACMG Guidelines, 2015. Collection method: clinical testing. Allele origin: germline.

GeneDx
Classification: Likely benign. Last evaluated: 2017-02-16. Review status: criteria provided, single submitter. Criteria: GeneDx Variant Classification (06012015). Collection method: clinical testing. Allele origin: germline. Affected: yes.
Comment: This variant is considered likely benign or benign based on one or more of the following criteria: it is a conservative change, it occurs at a poorly conserved position in the protein, it is predicted to be benign by multiple in silico algorithms, and/or has population frequency not consistent with disease.

NM_000371.4(TTR):c.231G>A (p.Gly77=)

Gene: TTR (transthyretin; plus strand). Cytogenetic location: 18q12.1.
Variant type: single nucleotide variant.
Coding change: c.231G>A on transcript NM_000371.4 (MANE Select); coding-DNA position 231, G replaced by A.
Protein change: p.Gly77=; no amino-acid change (glycine 77 retained).
Molecular consequence: synonymous variant.
Genome position (GRCh38, 1-based): chr18:31,595,150, G>A. VCF-style: chr18-31595150-G-A. GRCh37 (hg19) VCF-style: chr18-29175113-G-A.
Identifiers: ClinVar variation 507566 (VCV000507566.5), dbSNP rs1555631396, ClinGen allele CA503610354.
Genomic context (GRCh38, chr18:31,595,150, plus strand): 5'-TAACTTAATCCAGACTTTCACACCTTATAGGAAAACCAGTGAGTCTGGAGAGCTGCATGG[G>A]CTCACAACTGAGGAGGAATTTGTAGAAGGGATATACAAAGTGGAAATAGACACCAAATCT-3'
Protein context (NP_000362.1, residues 67-87): GKTSESGELH[Gly77=]LTTEEEFVEG